The following is an entry in ClinVar:

ClinVar aggregate classification (germline): Conflicting classifications of pathogenicity. Review status: criteria provided, conflicting classifications (1 of 4 stars). 11 submissions from 11 submitters: Uncertain significance (5); Likely benign (6). Last evaluated 2026-01-13.

Conditions:
TSC1-related disorder. Also called: TSC1-related condition.
Isolated focal cortical dysplasia type II (FCORD2). Also called: CORTICAL DYSPLASIA OF TAYLOR; Focal cortical dysplasia type II. Identifiers: Orphanet 268994, MedGen C1846385, MONDO:0011818, OMIM 607341, HP:0032051.
Tuberous sclerosis 1 (TSC1). Identifiers: Orphanet 805, MedGen C1854465, MONDO:0008612, OMIM 191100.
Lymphangiomyomatosis (LAM). Also called: Lymphangioleiomyomatosis; Lymphangioleiomyomatosis, somatic. Identifiers: Orphanet 538, MedGen C0751674, MONDO:0011705, OMIM 606690.
Hereditary cancer-predisposing syndrome. Also called: Tumor predisposition; Hereditary neoplastic syndrome; Neoplastic Syndromes, Hereditary; Hereditary Cancer Syndrome. Identifiers: Orphanet 140162, MedGen C0027672, MeSH D009386, MONDO:0015356.
Tuberous sclerosis syndrome (TSC). Also called: Tuberous Sclerosis Complex; Tuberous sclerosis. Identifiers: Orphanet 805, MedGen C0041341, MONDO:0001734.

Allele frequency attached by ClinVar (database versions not stated): ExAC 0.00001; gnomAD 0.00001; gnomAD exomes 0.00001 and 0.00003; TOPMed 0.00002.
gnomAD v4.1: 10 of 1,614,102 alleles (0.00062%); highest among the groups gnomAD compares: Admixed American, 0.017%; no homozygotes.

Submissions (11):

PreventionGenetics, part of Exact Sciences
Classification: Likely benign for TSC1-related condition. Last evaluated: 2026-01-13. Review status: criteria provided, single submitter. Criteria: ACMG Guidelines, 2015. Collection method: clinical testing. Allele origin: germline.
Comment: This variant is classified as likely benign based on ACMG/AMP sequence variant interpretation guidelines (Richards et al. 2015 PMID: 25741868, with internal and published modifications).

Labcorp Genetics (formerly Invitae), Labcorp
Classification: Likely benign for Tuberous sclerosis 1. Last evaluated: 2025-12-13. Review status: criteria provided, single submitter. Criteria: Invitae Variant Classification Sherloc (09022015). Collection method: clinical testing. Allele origin: germline.

Quest Diagnostics Nichols Institute San Juan Capistrano
Classification: Uncertain significance. Last evaluated: 2024-09-29. Review status: criteria provided, single submitter. Criteria: Quest Diagnostics criteria. Collection method: clinical testing. Allele origin: unknown.
Comment: The TSC1 c.2896T>C (p.Tyr966His) variant has not been reported in individuals with TSC1-related conditions in the published literature. The frequency of this variant in the general population, 0.0002 (7/34592 chromosomes in Admixed American subpopulation (Genome Aggregation Database)), is higher than would generally be expected for pathogenic variants in this gene. Analysis of this variant using bioinformatics tools for the prediction of the effect of amino acid changes on protein structure and function yielded conflicting predictions that this variant is benign or damaging. Based on the available information, we are unable to determine the clinical significance of this variant.

Revvity Omics, Revvity
Classification: Uncertain significance. Last evaluated: 2024-09-27. Review status: criteria provided, single submitter. Criteria: ACMG Guidelines, 2015. Collection method: clinical testing. Allele origin: germline.

Color Diagnostics, LLC DBA Color Health
Classification: Uncertain significance for Tuberous sclerosis syndrome. Last evaluated: 2024-06-26. Review status: criteria provided, single submitter. Criteria: ACMG Guidelines, 2015. Collection method: clinical testing. Allele origin: germline.
Comment: This missense variant replaces tyrosine with histidine at codon 966 of the TSC1 protein. Computational prediction is inconclusive regarding the impact of this variant on protein structure and function. To our knowledge, functional studies have not been reported for this variant. This variant has not been reported in individuals affected with TSC1-related disorders in the literature. This variant has been identified in 7/251494 chromosomes in the general population by the Genome Aggregation Database (gnomAD). The available evidence is insufficient to determine the role of this variant in disease conclusively. Therefore, this variant is classified as a Variant of Uncertain Significance.

Fulgent Genetics
Classification: Likely benign for Tuberous sclerosis 1; Lymphangiomyomatosis; Isolated focal cortical dysplasia type II. Last evaluated: 2024-03-27. Review status: criteria provided, single submitter. Criteria: ACMG Guidelines, 2015. Collection method: clinical testing. Allele origin: germline.

All of Us Research Program, National Institutes of Health
Classification: Uncertain significance for Tuberous sclerosis syndrome. Last evaluated: 2023-06-26. Review status: criteria provided, single submitter. Criteria: ACMG Guidelines, 2015. Collection method: clinical testing. Allele origin: germline. Inheritance: Autosomal dominant inheritance. Observed: 1 variant allele, 1 heterozygote.
Comment: This missense variant replaces tyrosine with histidine at codon 966 of the TSC1 protein. Computational prediction is inconclusive regarding the impact of this variant on protein structure and function (internally defined REVEL score threshold 0.5 < inconclusive < 0.7, PMID: 27666373). To our knowledge, functional studies have not been reported for this variant. This variant has not been reported in individuals affected with TSC1-related disorders in the literature. This variant has been identified in 7/251494 chromosomes in the general population by the Genome Aggregation Database (gnomAD). The available evidence is insufficient to determine the role of this variant in disease conclusively. Therefore, this variant is classified as a Variant of Uncertain Significance.

This study involves interpretation of variants in research participants for the purpose of population health screening. Participant phenotype was not available at the time of variant classification. Additional details can be found in publication PMID: 35346344, PMCID: PMC8962531

Ambry Genetics
Classification: Likely benign for Hereditary cancer-predisposing syndrome. Last evaluated: 2022-11-04. Review status: criteria provided, single submitter. Criteria: Ambry Variant Classification Scheme 2023. Collection method: clinical testing. Allele origin: germline.

Genome-Nilou Lab
Classification: Likely benign for Tuberous sclerosis 1. Last evaluated: 2021-11-07. Review status: criteria provided, single submitter. Criteria: ACMG Guidelines, 2015. Collection method: clinical testing. Allele origin: germline. Affected: no.

Sema4
Classification: Uncertain significance for Hereditary cancer-predisposing syndrome. Last evaluated: 2021-09-20. Review status: criteria provided, single submitter. Criteria: Sema4 Curation Guidelines. Collection method: curation. Allele origin: germline.
Comment: The TSC1 c.2896T>C (p.Y966H) variant has not been reported in the literature to our knowledge. It was observed in 7/34592 chromosomes of the Latino subpopulation in the large and broad cohorts of the Genome Aggregation Database (PMID: 32461654). The variant has been reported in ClinVar (Variation ID 466104). Functional studies have not been performed, and in silico predictions of the variant's effect on protein function are inconclusive. The evidence is insufficient to meet ACMG/AMP criteria for classifying the variant as benign or pathogenic. Thus, the clinical significance of this variant is currently uncertain.

GeneDx
Classification: Likely benign. Last evaluated: 2017-12-12. Review status: criteria provided, single submitter. Criteria: GeneDx Variant Classification (06012015). Collection method: clinical testing. Allele origin: germline. Affected: yes.
Comment: This variant is considered likely benign or benign based on one or more of the following criteria: it is a conservative change, it occurs at a poorly conserved position in the protein, it is predicted to be benign by multiple in silico algorithms, and/or has population frequency not consistent with disease.

NM_000368.5(TSC1):c.2896T>C (p.Tyr966His)

Gene: TSC1 (TSC complex subunit 1; minus strand). Cytogenetic location: 9q34.13.
Variant type: single nucleotide variant.
Coding change: c.2896T>C on transcript NM_000368.5 (MANE Select); coding-DNA position 2896, T replaced by C.
Protein change: p.Tyr966His; replaces tyrosine 966 with histidine.
Molecular consequence: missense variant.
Genome position (GRCh38, 1-based): chr9:132,897,263, A>G on the plus strand (T>C on the coding strand, the complement: TSC1 is on the minus strand). VCF-style: chr9-132897263-A-G. GRCh37 (hg19) VCF-style: chr9-135772650-A-G.
Other names: c.2893T>C, p.Tyr965His (NM_001162426.2); c.2743T>C, p.Tyr915His (NM_001162427.2); c.2533T>C, p.Tyr845His (NM_001362177.2); short protein forms Y966H, Y915H, Y965H, Y845H.
Identifiers: ClinVar variation 466104 (VCV000466104.26), dbSNP rs767946427, ClinGen allele CA034926.